The following is an entry in ClinVar:

ClinVar aggregate classification (germline): Benign/Likely benign. Review status: criteria provided, multiple submitters, no conflicts (2 of 4 stars). 3 submissions from 3 submitters: Benign (1); Likely benign (2). Last evaluated 2026-01-19.

Allele frequency attached by ClinVar (database versions not stated): gnomAD 0.00008 and 0.00013; TOPMed 0.00012; ESP Exome Variant Server 0.00015; gnomAD exomes 0.00020; ExAC 0.00024; 1000 Genomes Project 30x 0.00031; 1000 Genomes Project 0.00040.

Submissions (3):

Labcorp Genetics (formerly Invitae), Labcorp
Classification: Benign. Last evaluated: 2026-01-19. Review status: criteria provided, single submitter. Criteria: Invitae Variant Classification Sherloc (09022015). Collection method: clinical testing. Allele origin: germline.

CeGaT Center for Human Genetics Tuebingen
Classification: Likely benign. Last evaluated: 2025-10-01. Review status: criteria provided, single submitter. Criteria: CeGaT Center For Human Genetics Tuebingen Variant Classification Criteria Version 2. Collection method: clinical testing. Allele origin: germline. Affected: yes. Observed: 3 variant alleles.
Comment: TUBGCP6: BP4, BP7

Blueprint Genetics
Classification: Likely benign. Last evaluated: 2024-05-13. Review status: criteria provided, single submitter. Criteria: ACMG Guidelines, 2015. Collection method: clinical testing. Allele origin: germline.

NM_020461.4(TUBGCP6):c.4875C>T (p.Ser1625=)

Gene: TUBGCP6 (tubulin gamma complex component 6; minus strand). Cytogenetic location: 22q13.33.
Variant type: single nucleotide variant.
Coding change: c.4875C>T on transcript NM_020461.4 (MANE Select); coding-DNA position 4875, C replaced by T.
Protein change: p.Ser1625=; no amino-acid change (serine 1625 retained).
Molecular consequence: synonymous variant.
Genome position (GRCh38, 1-based): chr22:50,218,567, G>A on the plus strand (C>T on the coding strand, the complement: TUBGCP6 is on the minus strand). VCF-style: chr22-50218567-G-A. GRCh37 (hg19) VCF-style: chr22-50656996-G-A.
Identifiers: ClinVar variation 736509 (VCV000736509.34), dbSNP rs373718907, ClinGen allele CA10307288.